The following is an entry in ClinVar:

NM_000051.4(ATM):c.8697C>A (p.Ile2899=)

Genes: ATM (ATM serine/threonine kinase; plus strand), C11orf65 (chromosome 11 open reading frame 65; minus strand). Cytogenetic location: 11q22.3.
Variant type: single nucleotide variant.
Coding change: c.8697C>A on transcript NM_000051.4 (MANE Select); coding-DNA position 8697, C replaced by A.
Protein change: p.Ile2899=; no amino-acid change (isoleucine 2899 retained).
Molecular consequence: synonymous variant. On other transcripts: intron variant (2).
Genome position (GRCh38, 1-based): chr11:108,353,791, C>A. VCF-style: chr11-108353791-C-A. GRCh37 (hg19) VCF-style: chr11-108224518-C-A.
Other names: c.8697C>A, p.Ile2899= (NM_001351834.2); c.640+32129G>T (NM_001330368.2); c.695-18499G>T (NM_001351110.2).
Identifiers: ClinVar variation 3254272 (VCV003254272.1), dbSNP rs1333079704.

ClinVar aggregate classification (germline): Benign (1 of 4 stars; one submission).

Conditions:
Familial cancer of breast. Also called: hereditary breast carcinoma; BREAST CANCER, FAMILIAL; Hereditary breast cancer. Identifiers: Orphanet 227535, MedGen C0346153, MONDO:0016419, OMIM 114480. Disease mechanism: loss of function.

Submission:

Myriad Genetics, Inc.
Classification: Benign for Familial cancer of breast. Last evaluated: 2024-06-20. Review status: criteria provided, single submitter. Criteria: Myriad Autosomal Dominant, Autosomal Recessive and X-Linked Classification Criteria (2023). Collection method: clinical testing. Allele origin: unknown.
Comment: This variant is considered benign. This variant is a silent/synonymous amino acid change and it is not expected to impact splicing.